The following is an entry in ClinVar:

ClinVar aggregate classification (germline): Uncertain significance (1 of 4 stars; one submission).

Allele frequency attached by ClinVar (database versions not stated): ExAC 0.00002; TOPMed 0.00006; gnomAD exomes 0.00001; gnomAD 0.00004.
gnomAD v4.1: 24 of 1,588,628 alleles (0.0015%); highest among the groups gnomAD compares: Admixed American, 0.0036%; no homozygotes.

Submission:

Ambry Genetics
Classification: Uncertain significance. Last evaluated: 2026-04-07. Review status: criteria provided, single submitter. Criteria: Ambry Variant Classification Scheme 2023. Collection method: clinical testing. Allele origin: germline.
Comment: The c.703C>T (p.R235C) alteration is located in exon 7 (coding exon 7) of the SIRT6 gene. This alteration results from a C to T substitution at nucleotide position 703, causing the arginine (R) at amino acid position 235 to be replaced by a cysteine (C). Based on data from gnomAD, the T allele has an overall frequency of 0.002% (4/232368) total alleles studied. The highest observed frequency was 0.016% (1/6300) of Other alleles. Based on insufficient or conflicting evidence, the clinical significance of this alteration remains unclear.

NM_016539.4(SIRT6):c.703C>T (p.Arg235Cys)

Gene: SIRT6 (sirtuin 6; minus strand). Cytogenetic location: 19p13.3.
Variant type: single nucleotide variant.
Coding change: c.703C>T on transcript NM_016539.4 (MANE Select); coding-DNA position 703, C replaced by T.
Protein change: p.Arg235Cys; replaces arginine 235 with cysteine.
Molecular consequence: missense variant. On other transcripts: synonymous variant (3).
Genome position (GRCh38, 1-based): chr19:4,175,063, G>A on the plus strand (C>T on the coding strand, the complement: SIRT6 is on the minus strand). VCF-style: chr19-4175063-G-A. GRCh37 (hg19) VCF-style: chr19-4175060-G-A.
Other names: c.622C>T, p.Arg208Cys (NM_001193285.3); c.487C>T, p.Arg163Cys (NM_001321058.2); c.520C>T, p.Arg174Cys (NM_001321059.2); c.663C>T, p.Ala221= (NM_001321060.2); c.406C>T, p.Arg136Cys (NM_001321061.2); c.298C>T, p.Arg100Cys (NM_001321062.2); c.480C>T, p.Ala160= (NM_001321063.2); c.447C>T, p.Ala149= (NM_001321064.2); short protein forms R174C, R208C, R163C, R235C, R100C, R136C.
Identifiers: ClinVar variation 2259783 (VCV002259783.3), dbSNP rs200860440, ClinGen allele CA9091806.